The following is an entry in ClinVar:

ClinVar aggregate classification (germline): Benign/Likely benign. Review status: criteria provided, multiple submitters, no conflicts (2 of 4 stars). 3 submissions from 2 submitters: Benign (2); Likely benign (1). Last evaluated 2018-01-13.

Conditions:
Sacral defect with anterior meningocele. Identifiers: MedGen C1838568, OMIM 600145.
Neural tube defect (NTD). Also called: Neural tube defects. Identifiers: Orphanet 3388, Orphanet 823, MedGen C0027794, MONDO:0018075, HP:0045005.

Allele frequency attached by ClinVar (database versions not stated): gnomAD exomes 0.08333; gnomAD 0.16608 and 0.16816; TOPMed 0.16628; 1000 Genomes Project 0.17572; 1000 Genomes Project 30x 0.18395.
gnomAD v4.1: 25,187 of 152,154 alleles (17%); highest among the groups gnomAD compares: African/African-American, 23%; 2,242 homozygotes.

Submissions (3):

Illumina Laboratory Services, Illumina
Classification: Benign for Sacral defect with anterior meningocele. Last evaluated: 2018-01-13. Review status: criteria provided, single submitter. Criteria: ICSL Variant Classification Criteria 13 December 2019. Collection method: clinical testing. Allele origin: germline.
Comment: This variant was observed in the ICSL laboratory as part of a predisposition screen in an ostensibly healthy population. It had not been previously curated by ICSL or reported in the Human Gene Mutation Database (HGMD: prior to June 1st, 2018), and was therefore a candidate for classification through an automated scoring system. Utilizing variant allele frequency, disease prevalence and penetrance estimates, and inheritance mode, an automated score was calculated to assess if this variant is too frequent to cause the disease. Based on the score and internal cut-off values, a variant classified as benign is not then subjected to further curation. The score for this variant resulted in a classification of benign for this disease.

Illumina Laboratory Services, Illumina
Classification: Benign for Neural tube defects, susceptibility to. Last evaluated: 2018-01-13. Review status: criteria provided, single submitter. Criteria: ICSL Variant Classification Criteria 13 December 2019. Collection method: clinical testing. Allele origin: germline.
Comment: the same text as in the submission from Illumina Laboratory Services, Illumina above.

Breakthrough Genomics
Classification: Likely benign. Review status: criteria provided, single submitter. Criteria: ACMG Guidelines, 2015. Collection method: not provided. Allele origin: germline. Inheritance: Autosomal dominant inheritance. Affected: yes.

NM_138959.3(VANGL1):c.*6212C>T

Gene: VANGL1 (VANGL planar cell polarity protein 1; plus strand). Cytogenetic location: 1p13.1.
Variant type: single nucleotide variant.
Coding change: c.*6212C>T on transcript NM_138959.3 (MANE Select); 6212 bases downstream of the stop codon, C replaced by T.
Molecular consequence: 3 prime UTR variant.
Genome position (GRCh38, 1-based): chr1:115,697,591, C>T. VCF-style: chr1-115697591-C-T. GRCh37 (hg19) VCF-style: chr1-116240212-C-T.
Other names: c.*6212C>T (NM_001172411.2, NM_001172412.2).
Identifiers: ClinVar variation 292106 (VCV000292106.8), dbSNP rs3811006, ClinGen allele CA10607732.